The following is an entry in ClinVar:

NM_005546.4(ITK):c.115G>T (p.Ala39Ser)

Gene: ITK (IL2 inducible T cell kinase; plus strand). Cytogenetic location: 5q33.3.
Variant type: single nucleotide variant.
Coding change: c.115G>T on transcript NM_005546.4 (MANE Select); coding-DNA position 115, G replaced by T.
Protein change: p.Ala39Ser; replaces alanine 39 with serine.
Molecular consequence: missense variant.
Genome position (GRCh38, 1-based): chr5:157,181,092, G>T. VCF-style: chr5-157181092-G-T. GRCh37 (hg19) VCF-style: chr5-156608103-G-T.
Other names: short protein forms A39S.
Identifiers: ClinVar variation 3694231 (VCV003694231.2).
Genomic context (GRCh38, chr5:157,181,092, plus strand): 5'-AGAAGAACTTCTCCCTCGAACTTTAAAGTCCGCTTCTTTGTGTTAACCAAAGCCAGCCTG[G>T]CATACTTTGAAGATCGTCATGGGGTATGTGAGCAGTTTCATTTGTCTTTTTTCGCATAGC-3'
Protein context (NP_005537.3, residues 29-49): RFFVLTKASL[Ala39Ser]YFEDRHGKKR

ClinVar aggregate classification (germline): Uncertain significance (1 of 4 stars; one submission).

Conditions:
Lymphoproliferative syndrome 1 (LPFS1). Identifiers: Orphanet 238505, Orphanet 538963, MedGen C3552634, MONDO:0013081, OMIM 613011.

gnomAD v4.1: 8 of 1,614,018 alleles (0.0005%); highest among the groups gnomAD compares: South Asian, 0.0011%; no homozygotes.

Submission:

Labcorp Genetics (formerly Invitae), Labcorp
Classification: Uncertain significance for Lymphoproliferative syndrome 1. Last evaluated: 2024-02-17. Review status: criteria provided, single submitter. Criteria: Invitae Variant Classification Sherloc (09022015). Collection method: clinical testing. Allele origin: germline.
Comment: This sequence change replaces alanine, which is neutral and non-polar, with serine, which is neutral and polar, at codon 39 of the ITK protein (p.Ala39Ser). This variant is present in population databases (rs140064341, gnomAD 0.003%). This variant has not been reported in the literature in individuals affected with ITK-related conditions. Advanced modeling of protein sequence and biophysical properties (such as structural, functional, and spatial information, amino acid conservation, physicochemical variation, residue mobility, and thermodynamic stability) performed at Invitae indicates that this missense variant is not expected to disrupt ITK protein function with a negative predictive value of 95%. In summary, the available evidence is currently insufficient to determine the role of this variant in disease. Therefore, it has been classified as a Variant of Uncertain Significance.